The following is an entry in ClinVar:

ClinVar aggregate classification (germline): Uncertain significance (1 of 4 stars; one submission).

Allele frequency attached by ClinVar (database versions not stated): gnomAD exomes 0.00001; gnomAD 0.00002; TOPMed 0.00003; ESP Exome Variant Server 0.00015.
gnomAD v4.1: 20 of 1,613,788 alleles (0.0012%); highest among the groups gnomAD compares: Non-Finnish European, 0.0017%; no homozygotes.

Submission:

Labcorp Genetics (formerly Invitae), Labcorp
Classification: Uncertain significance. Last evaluated: 2022-08-23. Review status: criteria provided, single submitter. Criteria: Invitae Variant Classification Sherloc (09022015). Collection method: clinical testing. Allele origin: germline.
Comment: This sequence change replaces methionine, which is neutral and non-polar, with valine, which is neutral and non-polar, at codon 265 of the TTLL5 protein (p.Met265Val). This variant is present in population databases (rs141360303, gnomAD 0.003%). This variant has not been reported in the literature in individuals affected with TTLL5-related conditions. ClinVar contains an entry for this variant (Variation ID: 1485163). Algorithms developed to predict the effect of missense changes on protein structure and function are either unavailable or do not agree on the potential impact of this missense change (SIFT: "Tolerated"; PolyPhen-2: "Possibly Damaging"; Align-GVGD: "Class C0"). In summary, the available evidence is currently insufficient to determine the role of this variant in disease. Therefore, it has been classified as a Variant of Uncertain Significance.

NM_015072.5(TTLL5):c.793A>G (p.Met265Val)

Gene: TTLL5 (tubulin tyrosine ligase like 5; plus strand). Cytogenetic location: 14q24.3.
Variant type: single nucleotide variant.
Coding change: c.793A>G on transcript NM_015072.5 (MANE Select); coding-DNA position 793, A replaced by G.
Protein change: p.Met265Val; replaces methionine 265 with valine.
Molecular consequence: missense variant.
Genome position (GRCh38, 1-based): chr14:75,717,913, A>G. VCF-style: chr14-75717913-A-G. GRCh37 (hg19) VCF-style: chr14-76184256-A-G.
Other names: short protein forms M265V.
Identifiers: ClinVar variation 1485163 (VCV001485163.8), dbSNP rs141360303, ClinGen allele CA7279109.